The following is an entry in ClinVar:

NM_007294.4(BRCA1):c.463C>T (p.Gln155Ter)

Gene: BRCA1 (BRCA1 DNA repair associated; minus strand). Cytogenetic location: 17q21.31.
Variant type: single nucleotide variant.
Coding change: c.463C>T on transcript NM_007294.4 (MANE Select); coding-DNA position 463, C replaced by T.
Protein change: p.Gln155Ter; replaces glutamine 155 with a stop codon.
Molecular consequence: nonsense. On other transcripts: non-coding transcript variant (1).
Genome position (GRCh38, 1-based): chr17:43,099,859, G>A on the plus strand (C>T on the coding strand, the complement: BRCA1 is on the minus strand). VCF-style: chr17-43099859-G-A. GRCh37 (hg19) VCF-style: chr17-41251876-G-A.
Other names: c.460C>T, p.Gln154Ter (NM_001407992.1, NM_001408392.1, NM_001408396.1 and 65 more transcripts); c.463C>T, p.Gln155Ter (NM_001407993.1, NM_001408403.1, NM_001408404.1 and 97 more transcripts); c.454C>T, p.Gln152Ter (NM_001408408.1, NM_001407646.1, NM_001407647.1); c.385C>T, p.Gln129Ter (NM_001408409.1, NM_001408411.1, NM_001408412.1 and 12 more transcripts); c.322C>T, p.Gln108Ter (NM_001408410.1, NM_001408452.1, NM_001408453.1 and 61 more transcripts); c.382C>T, p.Gln128Ter (NM_001408413.1, NM_001408416.1, NM_001408475.1 and 6 more transcripts); c.328C>T, p.Gln110Ter (NM_001408451.1); c.319C>T, p.Gln107Ter (NM_001408462.1, NM_001408463.1, NM_001408464.1 and 35 more transcripts); and 4 more; short protein forms Q155*, Q108*, Q110*, Q27*, Q128*, Q154*, Q85*, Q107*.
Identifiers: ClinVar variation 55248 (VCV000055248.15), dbSNP rs80357180, ClinGen allele CA002941.

ClinVar aggregate classification (germline): Pathogenic. Review status: reviewed by expert panel (3 of 4 stars). 7 submissions from 7 submitters: Pathogenic (1). 6 of the submissions do not count toward it. Last evaluated 2017-12-15.

Conditions:
Hereditary cancer-predisposing syndrome. Also called: Hereditary Cancer Syndrome; Hereditary neoplastic syndrome; Neoplastic Syndromes, Hereditary; Tumor predisposition. Identifiers: Orphanet 140162, MedGen C0027672, MeSH D009386, MONDO:0015356.
Hereditary breast ovarian cancer syndrome. Also called: BRCA1- and BRCA2-Associated Hereditary Breast and Ovarian Cancer; Hereditary breast and ovarian cancer syndrome; Hereditary breast and ovarian cancer syndrome (HBOC); Breast and ovarian cancer; Hereditary breast and/or ovarian cancer syndrome; Hereditary breast and ovarian cancer. Identifiers: Orphanet 145, MedGen C0677776, MeSH D061325, MONDO:0003582. Disease mechanism: loss of function.
Breast-ovarian cancer, familial, susceptibility to, 1 (BROVCA1). Also called: BRCA1 Hereditary Breast and Ovarian Cancer; OVARIAN CANCER, SUSCEPTIBILITY TO. Identifiers: Orphanet 145, MedGen C2676676, MONDO:0011450, OMIM 604370. Disease mechanism: loss of function.
Familial cancer of breast. Also called: hereditary breast carcinoma; BREAST CANCER, FAMILIAL; Hereditary breast cancer. Identifiers: Orphanet 227535, MedGen C0346153, MONDO:0016419, OMIM 114480. Disease mechanism: loss of function.

Submissions (7):

Evidence-based Network for the Interpretation of Germline Mutant Alleles (ENIGMA)
Classification: Pathogenic for Breast-ovarian cancer, familial, susceptibility to, 1. Last evaluated: 2017-12-15. Review status: reviewed by expert panel. Criteria: ENIGMA BRCA1/2 Classification Criteria (2017-06-29). Collection method: curation. Allele origin: germline. Study: ENIGMA.
Comment: Variant allele predicted to encode a truncated non-functional protein.

Victorian Clinical Genetics Services, Murdoch Childrens Research Institute
Classification: Pathogenic for Breast-ovarian cancer, familial, susceptibility to, 1. Last evaluated: 2025-11-02. Review status: criteria provided, single submitter. Criteria: ACMG Guidelines, 2015. Collection method: clinical testing. Allele origin: germline. Affected: no. Not counted in ClinVar's aggregate classification.
Comment: This variant is classified as Pathogenic. Evidence in support of pathogenic classification: Variant is predicted to cause nonsense-mediated decay (NMD) and loss of protein (premature termination codon is located at least 54 nucleotides upstream of the final exon-exon junction); Variant is absent from gnomAD (v2, v3 and v4); This variant has strong previous evidence of pathogenicity in unrelated individuals. This variant has been classified as pathogenic by the ENIGMA expert panel in ClinVar. - Other NMD-predicted variants comparable to the one identified in this case have very strong previous evidence for pathogenicity (DECIPHER). Additional information: This variant is heterozygous; This gene is associated with both recessive and dominant disease. Susceptibility to breast and ovarian cancer follows an autosomal dominant inheritance pattern, while Fanconi anaemia is inherited in an autosomal recessive pattern (OMIM); Loss of function is a known mechanism of disease in this gene and is associated with Fanconi anaemia, complementation group S (MIM#617883), susceptibility to breast and ovarian cancer (MIM#604370) and susceptibility to pancreatic cancer (MIM#614320); The condition associated with this gene has incomplete penetrance. The highest estimate for cancer risk in individuals with a heterozygous pathogenic variant is 80% by the age of 70 years (PMID: 30551077).

Institute of Immunology and Genetics Kaiserslautern
Classification: Pathogenic for Breast-ovarian cancer, familial, susceptibility to, 1. Last evaluated: 2025-07-31. Review status: criteria provided, single submitter. Criteria: ACMG Guidelines, 2015. Collection method: clinical testing. Allele origin: germline. Affected: yes. Not counted in ClinVar's aggregate classification.
Comment: ACMG Criteria: PVS1, PM2, PP5_M.

Department of Clinical Genetics, Copenhagen University Hospital, Rigshospitalet
Classification: Pathogenic for Breast-ovarian cancer, familial, susceptibility to, 1. Last evaluated: 2024-05-27. Review status: criteria provided, single submitter. Criteria: ACMG Guidelines, 2015. Collection method: clinical testing. Allele origin: germline. Affected: yes. Not counted in ClinVar's aggregate classification.
Comment: PVS1; PM2_supporting; PM5_PTC_Strong

Labcorp Genetics (formerly Invitae), Labcorp
Classification: Pathogenic for Hereditary breast ovarian cancer syndrome. Last evaluated: 2021-12-14. Review status: criteria provided, single submitter. Criteria: Invitae Variant Classification Sherloc (09022015). Collection method: clinical testing. Allele origin: germline. Not counted in ClinVar's aggregate classification.
Comment: This sequence change creates a premature translational stop signal (p.Gln155*) in the BRCA1 gene. It is expected to result in an absent or disrupted protein product. Loss-of-function variants in BRCA1 are known to be pathogenic (PMID: 20104584). This variant is not present in population databases (gnomAD no frequency). For these reasons, this variant has been classified as Pathogenic. ClinVar contains an entry for this variant (Variation ID: 55248). This premature translational stop signal has been observed in individual(s) with breast cancer (PMID: 12815604).

Ambry Genetics
Classification: Pathogenic for Hereditary cancer-predisposing syndrome. Last evaluated: 2021-06-23. Review status: criteria provided, single submitter. Criteria: Ambry Variant Classification Scheme 2023. Collection method: clinical testing. Allele origin: germline. Not counted in ClinVar's aggregate classification.
Comment: The p.Q155* pathogenic mutation (also known as c.463C>T), located in coding exon 6 of the BRCA1 gene, results from a C to T substitution at nucleotide position 463. This changes the amino acid from a glutamine to a stop codon within coding exon 6. This mutation has been reported in several Chinese individuals with breast and or ovarian cancer (Hu Z et al. Hum Mutat. 2003 Jul;22:104; Bhaskaran SP et al. Int J Cancer. 2019 08;145:962-973). Of note, this mutation may be referred to as 582C>T in some literature. This variant is considered to be rare based on population cohorts in the Genome Aggregation Database (gnomAD). In addition to the clinical data presented in the literature, this alteration is expected to result in loss of function by premature protein truncation or nonsense-mediated mRNA decay. As such, this alteration is interpreted as a disease-causing mutation.

ClinVar Staff, National Center for Biotechnology Information (NCBI)
No classification provided. Condition: Familial cancer of breast. Review status: no classification provided. Collection method: literature only. Allele origin: germline. Affected: yes. Not counted in ClinVar's aggregate classification.

Literature cited by the submitters: PubMed 30551077 (cited by Victorian Clinical Genetics Services, Murdoch Childrens Research Institute); PubMed 20104584 (cited by Labcorp Genetics (formerly Invitae), Labcorp); PubMed 12815604 (cited by 3 submitters); PubMed 30702160 (cited by Ambry Genetics).